The following is an entry in ClinVar:

ClinVar aggregate classification (germline): Likely benign. Review status: criteria provided, multiple submitters, no conflicts (2 of 4 stars). 2 submissions from 2 submitters: Likely benign (2). Last evaluated 2025-12-23.

gnomAD v4.1: 30 of 1,600,558 alleles (0.0019%); highest among the groups gnomAD compares: Non-Finnish European, 0.0024%; no homozygotes.

Submissions (2):

Labcorp Genetics (formerly Invitae), Labcorp
Classification: Likely benign. Last evaluated: 2025-12-23. Review status: criteria provided, single submitter. Criteria: Invitae Variant Classification Sherloc (09022015). Collection method: clinical testing. Allele origin: germline.

CeGaT Center for Human Genetics Tuebingen
Classification: Likely benign. Last evaluated: 2024-02-01. Review status: criteria provided, single submitter. Criteria: CeGaT Center For Human Genetics Tuebingen Variant Classification Criteria Version 2. Collection method: clinical testing. Allele origin: germline. Affected: yes. Observed: 1 variant allele.
Comment: AEBP1: BP4, BP7

NM_001129.5(AEBP1):c.267G>A (p.Lys89=)

Gene: AEBP1 (AE binding protein 1; plus strand). Cytogenetic location: 7p13.
Variant type: single nucleotide variant.
Coding change: c.267G>A on transcript NM_001129.5 (MANE Select); coding-DNA position 267, G replaced by A.
Protein change: p.Lys89=; no amino-acid change (lysine 89 retained).
Molecular consequence: synonymous variant.
Genome position (GRCh38, 1-based): chr7:44,106,559, G>A. VCF-style: chr7-44106559-G-A. GRCh37 (hg19) VCF-style: chr7-44146158-G-A.
Identifiers: ClinVar variation 1348880 (VCV001348880.30), dbSNP rs139078339, ClinGen allele CA4237455.